The following is an entry in ClinVar:

ClinVar aggregate classification (germline): Uncertain significance (1 of 4 stars; one submission).

Conditions:
Cranium bifidum occultum. Also called: Enlarged Parietal Foramina; CATLIN MARKS; CRANIUM BIFIDUM, HEREDITARY. Identifiers: MedGen C1868598, HP:0004423.

Submission:

Labcorp Genetics (formerly Invitae), Labcorp
Classification: Uncertain significance for Cranium bifidum occultum. Last evaluated: 2024-02-20. Review status: criteria provided, single submitter. Criteria: Invitae Variant Classification Sherloc (09022015). Collection method: clinical testing. Allele origin: germline.
Comment: This variant, c.760_780dup, results in the insertion of 7 amino acid(s) of the MSX2 protein (p.Leu254_Gly260dup), but otherwise preserves the integrity of the reading frame. This variant is present in population databases (no rsID available, gnomAD 0.003%). This variant has not been reported in the literature in individuals affected with MSX2-related conditions. Experimental studies and prediction algorithms are not available or were not evaluated, and the functional significance of this variant is currently unknown. In summary, the available evidence is currently insufficient to determine the role of this variant in disease. Therefore, it has been classified as a Variant of Uncertain Significance.

NM_002449.5(MSX2):c.760_780dup (p.Gly260_Tyr261insLeuTyrAlaThrProValGly)

Gene: MSX2 (msh homeobox 2; plus strand). Cytogenetic location: 5q35.2.
Variant type: Duplication.
Coding change: c.760_780dup on transcript NM_002449.5 (MANE Select); coding-DNA positions 760 to 780, 21 bases duplicated (CTCTATGCCACGCCAGTGGGA).
Protein change: p.Gly260_Tyr261insLeuTyrAlaThrProValGly.
Molecular consequence: 3 prime UTR variant (on NM_001363626.2).
Genome position (GRCh38, 1-based): chr5:174,729,539-174,729,559, CTCTATGCCACGCCAGTGGGA duplicated; duplicating any 21 consecutive bases within chr5:174,729,533-174,729,559 gives the same sequence; the c. name uses the placement nearest the transcript's 3' end. VCF-style (leftmost placement, unchanged base first): chr5-174729532-T-TGTGGGACTCTATGCCACGCCA. GRCh37 (hg19) VCF-style: chr5-174156535-T-TGTGGGACTCTATGCCACGCCA.
Other names: c.*384_*404dup (NM_001363626.2).
Identifiers: ClinVar variation 3695911 (VCV003695911.2).